The following is an entry in ClinVar:

ClinVar aggregate classification (germline): Pathogenic (1 of 4 stars; one submission).

Conditions:
Hereditary cancer-predisposing syndrome. Also called: Neoplastic Syndromes, Hereditary; Tumor predisposition; Hereditary neoplastic syndrome; Hereditary Cancer Syndrome. Identifiers: Orphanet 140162, MedGen C0027672, MeSH D009386, MONDO:0015356.

Submission:

Ambry Genetics
Classification: Pathogenic for Hereditary cancer-predisposing syndrome. Last evaluated: 2023-10-05. Review status: criteria provided, single submitter. Criteria: Ambry Variant Classification Scheme 2023. Collection method: clinical testing. Allele origin: germline.
Comment: The c.2879delG pathogenic mutation, located in coding exon 9 of the BRCA1 gene, results from a deletion of one nucleotide at nucleotide position 2879, causing a translational frameshift with a predicted alternate stop codon (p.G960Afs*40). This variant is considered to be rare based on population cohorts in the Genome Aggregation Database (gnomAD). This alteration is expected to result in loss of function by premature protein truncation or nonsense-mediated mRNA decay. As such, this alteration is interpreted as a disease-causing mutation.

NM_007294.4(BRCA1):c.2879del (p.Gly960fs)

Gene: BRCA1 (BRCA1 DNA repair associated; minus strand). Cytogenetic location: 17q21.31.
Variant type: Deletion.
Coding change: c.2879del on transcript NM_007294.4 (MANE Select); coding-DNA position 2879, one base deleted (G; older notation c.2879delG).
Protein change: p.Gly960fs; shifts the reading frame from glycine 960.
Molecular consequence: frameshift variant. On other transcripts: intron variant (137).
Genome position (GRCh38, 1-based): chr17:43,092,652, C deleted on the plus strand (G on the coding strand, the reverse complement: BRCA1 is on the minus strand); the first of 2 consecutive C bases (chr17:43,092,652-43,092,653); deleting either gives the same sequence. VCF-style (leftmost placement, unchanged base first): chr17-43092651-GC-G. GRCh37 (hg19) VCF-style: chr17-41244668-GC-G.
Other names: c.665-1620del (NM_001408430.1, NM_001408436.1, NM_001408444.1 and 12 more transcripts); c.788-1620del (NM_007299.4, NM_001407990.1, NM_001408404.1 and 17 more transcripts); c.671-1620del (NM_001408423.1, NM_001408420.1, NM_001408419.1 and 2 more transcripts); c.2666del, p.Gly889fs (NM_001407571.1, NM_001407853.1, NM_001407894.1 and 9 more transcripts); c.2879del, p.Gly960fs (NM_001407581.1, NM_001407582.1, NM_001407583.1 and 30 more transcripts); c.2876del, p.Gly959fs (NM_001407587.1, NM_001407590.1, NM_001407591.1 and 22 more transcripts); c.2870del, p.Gly957fs (NM_001407646.1, NM_001407647.1); c.2756del, p.Gly919fs (NM_001407648.1, NM_001407664.1, NM_001407665.1 and 19 more transcripts); and 42 more; short protein forms G664fs, G792fs, G832fs, G833fs, G848fs, G849fs, G871fs, G872fs.
Identifiers: ClinVar variation 3226124 (VCV003226124.1), dbSNP rs2552181944, ClinGen allele CA2825002532.